The following is an entry in ClinVar:

ClinVar aggregate classification (germline): Pathogenic (1 of 4 stars; one submission).

Conditions:
Early-infantile DEE. Also called: Ohtahara syndrome; Early infantile epileptic encephalopathy with suppression bursts; Early infantile epileptic encephalopathy. Identifiers: Orphanet 1934, MedGen C0393706, MONDO:0800491.

Submission:

Labcorp Genetics (formerly Invitae), Labcorp
Classification: Pathogenic for Early-infantile DEE. Last evaluated: 2022-11-22. Review status: criteria provided, single submitter. Criteria: Invitae Variant Classification Sherloc (09022015). Collection method: clinical testing. Allele origin: germline.
Comment: For these reasons, this variant has been classified as Pathogenic. ClinVar contains an entry for this variant (Variation ID: 1069295). This variant has not been reported in the literature in individuals affected with SCN1A-related conditions. This variant is not present in population databases (gnomAD no frequency). This sequence change creates a premature translational stop signal (p.Leu170Hisfs*106) in the SCN1A gene. It is expected to result in an absent or disrupted protein product. Loss-of-function variants in SCN1A are known to be pathogenic (PMID: 17347258, 18930999).

Literature cited by the submitters: PubMed 17347258; PubMed 18930999.

NM_001165963.4(SCN1A):c.509_510del (p.Leu170fs)

Gene: SCN1A (sodium voltage-gated channel alpha subunit 1; minus strand). Cytogenetic location: 2q24.3.
Variant type: Deletion.
Coding change: c.509_510del on transcript NM_001165963.4 (MANE Select); coding-DNA positions 509 to 510, 2 bases deleted (TT; older notation c.509_510delTT).
Protein change: p.Leu170fs; shifts the reading frame from leucine 170.
Molecular consequence: frameshift variant. On other transcripts: 5 prime UTR variant (1), non-coding transcript variant (1).
Genome position (GRCh38, 1-based): chr2:166,054,730-166,054,731, AA deleted on the plus strand (TT on the coding strand, the reverse complement: SCN1A is on the minus strand). VCF-style (leftmost placement, unchanged base first): chr2-166054729-TAA-T. GRCh37 (hg19) VCF-style: chr2-166911239-TAA-T.
Other names: c.509_510del, p.Leu170fs (NM_001165964.3, NM_001202435.3, NM_001353948.2 and 10 more transcripts); c.-1917_-1916del (NM_001353961.2); short protein forms L170fs.
Identifiers: ClinVar variation 1069295 (VCV001069295.8), dbSNP rs2105902424, ClinGen allele CA2499215210.
Genomic context (GRCh38, chr2:166,054,729, plus strand): 5'-TCCATGGATCCCGAAGGAAAGTAAAATCTTCTAAACAGAATCCCCTTGCAATAATTTTTA[TAA>T]GTGATTCAAAAGTATATATTCCTGTGAAGGTGTATCTGAAAACAAGCATCCAAAAAATTT-3'